The following is an entry in ClinVar:

NM_012193.4(FZD4):c.*1932G>C

Genes: FZD4 (frizzled class receptor 4; minus strand), PRSS23 (serine protease 23; plus strand). Cytogenetic location: 11q14.2.
Variant type: single nucleotide variant.
Coding change: c.*1932G>C on transcript NM_012193.4 (MANE Select); 1932 bases downstream of the stop codon, G replaced by C.
Molecular consequence: 3 prime UTR variant.
Genome position (GRCh38, 1-based): chr11:86,949,210, C>G on the plus strand (G>C on the coding strand, the complement: FZD4 is on the minus strand). VCF-style: chr11-86949210-C-G. GRCh37 (hg19) VCF-style: chr11-86660252-C-G.
Identifiers: ClinVar variation 306382 (VCV000306382.6), dbSNP rs77424184, ClinGen allele CA10640437.
Genomic context (GRCh38, chr11:86,949,210, plus strand): 5'-ACCTGTGCCCACTTAACTTCAGTCTCAAAAGCCAAGACTTTGCCTTCCAAAACATACAAT[C>G]GACTTTACATGCATCTTGATGTCAGAGAGCTCAAGAACCACACAAAAACAAAAAGGAAAG-3'

ClinVar aggregate classification (germline): Benign. Review status: criteria provided, multiple submitters, no conflicts (2 of 4 stars). 2 submissions from 2 submitters: Benign (2). Last evaluated 2018-01-13.

Conditions:
Exudative vitreoretinopathy 1 (EVR1). Also called: CRISWICK-SCHEPENS SYNDROME; FEVR, AUTOSOMAL DOMINANT; Familial exudative vitreoretinopathy, autosomal dominant. Identifiers: Orphanet 891, Orphanet 90050, MedGen C1851402, MONDO:0007589, OMIM 133780.

Allele frequency attached by ClinVar (database versions not stated): gnomAD 0.01431; 1000 Genomes Project 30x 0.01640; 1000 Genomes Project 0.01737; TOPMed 0.01812.

Submissions (2):

Illumina Laboratory Services, Illumina
Classification: Benign for Exudative vitreoretinopathy 1. Last evaluated: 2018-01-13. Review status: criteria provided, single submitter. Criteria: ICSL Variant Classification Criteria 13 December 2019. Collection method: clinical testing. Allele origin: germline.
Comment: This variant was observed in the ICSL laboratory as part of a predisposition screen in an ostensibly healthy population. It had not been previously curated by ICSL or reported in the Human Gene Mutation Database (HGMD: prior to June 1st, 2018), and was therefore a candidate for classification through an automated scoring system. Utilizing variant allele frequency, disease prevalence and penetrance estimates, and inheritance mode, an automated score was calculated to assess if this variant is too frequent to cause the disease. Based on the score and internal cut-off values, a variant classified as benign is not then subjected to further curation. The score for this variant resulted in a classification of benign for this disease.

Breakthrough Genomics
Classification: Benign. Review status: criteria provided, single submitter. Criteria: ACMG Guidelines, 2015. Collection method: not provided. Allele origin: germline. Inheritance: Autosomal dominant inheritance. Affected: yes.